The following is an entry in ClinVar:

NM_001297.5(CNGB1):c.1958-14A>C

Gene: CNGB1 (cyclic nucleotide gated channel subunit beta 1; minus strand). Cytogenetic location: 16q21.
Variant type: single nucleotide variant.
Coding change: c.1958-14A>C on transcript NM_001297.5 (MANE Select); 14 bases into the intron before coding-DNA position 1958, A replaced by C.
Molecular consequence: intron variant.
Genome position (GRCh38, 1-based): chr16:57,917,490, T>G on the plus strand (A>C on the coding strand, the complement: CNGB1 is on the minus strand). VCF-style: chr16-57917490-T-G. GRCh37 (hg19) VCF-style: chr16-57951394-T-G.
Other names: c.1940-14A>C (NM_001286130.2).
Identifiers: ClinVar variation 257960 (VCV000257960.27), dbSNP rs3991715, ClinGen allele CA8083211.

ClinVar aggregate classification (germline): Benign. Review status: criteria provided, multiple submitters, no conflicts (2 of 4 stars). 8 submissions from 8 submitters: Benign (6). 2 of the submissions do not count toward it. Last evaluated 2026-02-04.

Conditions:
Retinitis pigmentosa (RP). Identifiers: Orphanet 791, MedGen C0035334, MeSH D012174, MONDO:0019200, OMIM 268000. Inheritance: Autosomal dominant, autosomal recessive and X linked inheritance.

Allele frequency attached by ClinVar (database versions not stated): gnomAD exomes 0.25990 and 0.27137; ExAC 0.27464; gnomAD 0.30468 and 0.30656; TOPMed 0.30614; 1000 Genomes Project 0.30871; ESP Exome Variant Server 0.30968; 1000 Genomes Project 30x 0.31324.
gnomAD v4.1: 426,850 of 1,612,868 alleles (26%); highest among the groups gnomAD compares: African/African-American, 44%; 58,880 homozygotes.

Submissions (8):

Labcorp Genetics (formerly Invitae), Labcorp
Classification: Benign. Last evaluated: 2026-02-04. Review status: criteria provided, single submitter. Criteria: Invitae Variant Classification Sherloc (09022015). Collection method: clinical testing. Allele origin: germline.

GeneDx
Classification: Benign. Last evaluated: 2019-07-03. Review status: criteria provided, single submitter. Criteria: GeneDx Variant Classification Process June 2021. Collection method: clinical testing. Allele origin: germline. Affected: yes.

Illumina Laboratory Services, Illumina
Classification: Benign for Retinitis pigmentosa. Last evaluated: 2018-01-13. Review status: criteria provided, single submitter. Criteria: ICSL Variant Classification Criteria 13 December 2019. Collection method: clinical testing. Allele origin: germline.
Comment: This variant was observed in the ICSL laboratory as part of a predisposition screen in an ostensibly healthy population. It had not been previously curated by ICSL or reported in the Human Gene Mutation Database (HGMD: prior to June 1st, 2018), and was therefore a candidate for classification through an automated scoring system. Utilizing variant allele frequency, disease prevalence and penetrance estimates, and inheritance mode, an automated score was calculated to assess if this variant is too frequent to cause the disease. Based on the score and internal cut-off values, a variant classified as benign is not then subjected to further curation. The score for this variant resulted in a classification of benign for this disease.

Eurofins Ntd Llc (ga)
Classification: Benign. Last evaluated: 2016-04-14. Review status: criteria provided, single submitter. Criteria: EGL Classification Definitions 2015. Collection method: clinical testing. Allele origin: germline. Observed: 1 variant allele, 1 heterozygote.

Breakthrough Genomics
Classification: Benign. Review status: criteria provided, single submitter. Criteria: ACMG Guidelines, 2015. Collection method: not provided. Allele origin: germline. Inheritance: Autosomal recessive inheritance. Affected: yes.

PreventionGenetics, part of Exact Sciences
Classification: Benign. Review status: criteria provided, single submitter. Criteria: ACMG Guidelines, 2015. Collection method: clinical testing. Allele origin: germline.

Diagnostic Laboratory, Department of Genetics, University Medical Center Groningen
Classification: Benign. Review status: no assertion criteria provided. Collection method: clinical testing. Allele origin: germline. Affected: yes. Study: VKGL Data-share Consensus. Not counted in ClinVar's aggregate classification.

Joint Genome Diagnostic Labs from Nijmegen and Maastricht, Radboudumc and MUMC+
Classification: Benign. Review status: no assertion criteria provided. Collection method: clinical testing. Allele origin: germline. Affected: yes. Study: VKGL Data-share Consensus. Not counted in ClinVar's aggregate classification.